The following is an entry in ClinVar:

ClinVar aggregate classification (germline): Uncertain significance (1 of 4 stars; one submission).

Submission:

Labcorp Genetics (formerly Invitae), Labcorp
Classification: Uncertain significance. Last evaluated: 2019-09-24. Review status: criteria provided, single submitter. Criteria: Invitae Variant Classification Sherloc (09022015). Collection method: clinical testing. Allele origin: germline.
Comment: This variant is not present in population databases (ExAC no frequency). In summary, the available evidence is currently insufficient to determine the role of this variant in disease. Therefore, it has been classified as a Variant of Uncertain Significance. Algorithms developed to predict the effect of missense changes on protein structure and function (SIFT, PolyPhen-2, Align-GVGD) all suggest that this variant is likely to be disruptive, but these predictions have not been confirmed by published functional studies and their clinical significance is uncertain. This variant has not been reported in the literature in individuals with POLE-related conditions. This sequence change replaces lysine with asparagine at codon 1174 of the POLE protein (p.Lys1174Asn). The lysine residue is highly conserved and there is a moderate physicochemical difference between lysine and asparagine.

NM_006231.4(POLE):c.3522G>C (p.Lys1174Asn)

Gene: POLE (DNA polymerase epsilon, catalytic subunit; minus strand). Cytogenetic location: 12q24.33.
Variant type: single nucleotide variant.
Coding change: c.3522G>C on transcript NM_006231.4 (MANE Select); coding-DNA position 3522, G replaced by C.
Protein change: p.Lys1174Asn; replaces lysine 1174 with asparagine.
Molecular consequence: missense variant.
Genome position (GRCh38, 1-based): chr12:132,657,196, C>G on the plus strand (G>C on the coding strand, the complement: POLE is on the minus strand). VCF-style: chr12-132657196-C-G. GRCh37 (hg19) VCF-style: chr12-133233782-C-G.
Other names: short protein forms K1174N.
Identifiers: ClinVar variation 960061 (VCV000960061.9), dbSNP rs2042562576, ClinGen allele CA387388542.